The following is an entry in ClinVar:

NM_000178.4(GSS):c.882C>A (p.Cys294Ter)

Gene: GSS (glutathione synthetase; minus strand). Cytogenetic location: 20q11.22.
Variant type: single nucleotide variant.
Coding change: c.882C>A on transcript NM_000178.4 (MANE Select); coding-DNA position 882, C replaced by A.
Protein change: p.Cys294Ter; replaces cysteine 294 with a stop codon.
Molecular consequence: nonsense.
Genome position (GRCh38, 1-based): chr20:34,932,086, G>T on the plus strand (C>A on the coding strand, the complement: GSS is on the minus strand). VCF-style: chr20-34932086-G-T. GRCh37 (hg19) VCF-style: chr20-33519889-G-T.
Other names: c.882C>A, p.Cys294Ter (NM_001322494.1, NM_001322495.1); short protein forms C294*.
Identifiers: ClinVar variation 2725232 (VCV002725232.3), dbSNP rs2519020812, ClinGen allele CA408701311.
Genomic context (GRCh38, chr20:34,932,086, plus strand): 5'-CGGCCTGCTTAGCTCCTGCTGCACCTTCTTAGTCCCAGCCAGCTGGGTGGCAATGTCTGG[G>T]CACTTGGCAGCATGTGACCTCTCCAGCAGTAGACGTGCTTCCCAATTCTGCAGAGGGAAG-3'

ClinVar aggregate classification (germline): Pathogenic (1 of 4 stars; one submission).

Conditions:
Glutathione synthetase deficiency with 5-oxoprolinuria. Also called: PYROGLUTAMIC ACIDURIA; 5-Oxoprolinuria; Reduced glutathione synthetase level; Gluthathione synthetase deficiency; 5-OXOPROLINURIA DUE TO GLUTATHIONE SYNTHETASE DEFICIENCY. Identifiers: Orphanet 289846, MedGen C0398746, MONDO:0009947, OMIM 266130, HP:0003343.

Submission:

Labcorp Genetics (formerly Invitae), Labcorp
Classification: Pathogenic for Glutathione synthetase deficiency with 5-oxoprolinuria. Last evaluated: 2023-05-09. Review status: criteria provided, single submitter. Criteria: Invitae Variant Classification Sherloc (09022015). Collection method: clinical testing. Allele origin: germline.
Comment: For these reasons, this variant has been classified as Pathogenic. This variant has not been reported in the literature in individuals affected with GSS-related conditions. This variant is not present in population databases (gnomAD no frequency). This sequence change creates a premature translational stop signal (p.Cys294*) in the GSS gene. It is expected to result in an absent or disrupted protein product. Loss-of-function variants in GSS are known to be pathogenic (PMID: 12638941, 15717202).

Literature cited by the submitters: PubMed 12638941; PubMed 15717202.